The following is an entry in ClinVar:

NM_003906.5(MCM3AP):c.5513A>T (p.Glu1838Val)

Genes: MCM3AP (minichromosome maintenance complex component 3 associated protein; minus strand), MCM3AP-AS1 (MCM3AP antisense RNA 1; plus strand). Cytogenetic location: 21q22.3.
Variant type: single nucleotide variant.
Coding change: c.5513A>T on transcript NM_003906.5 (MANE Select); coding-DNA position 5513, A replaced by T.
Protein change: p.Glu1838Val; replaces glutamic acid 1838 with valine.
Molecular consequence: missense variant. On other transcripts: non-coding transcript variant (4).
Genome position (GRCh38, 1-based): chr21:46,240,931, T>A on the plus strand (A>T on the coding strand, the complement: MCM3AP is on the minus strand). VCF-style: chr21-46240931-T-A. GRCh37 (hg19) VCF-style: chr21-47660845-T-A.
Other names: short protein forms E1838V.
Identifiers: ClinVar variation 1943505 (VCV001943505.2), dbSNP rs202103550, ClinGen allele CA10075827.
Genomic context (GRCh38, chr21:46,240,931, plus strand): 5'-TCAGCAGAAGCTCCTCGCATCAGATCCTCTGTGCTGGGAATCCTCCCCTCTTGAGCACAC[T>A]CTGTGCTCCTCTTCCAGTTACGGTGCATGTGAAGCAATGGTATGGGAAAATTGTTTGCAG-3'
Protein context (NP_003897.2, residues 1828-1848): HMHRNWKRST[Glu1838Val]CAQEGRIPST

ClinVar aggregate classification (germline): Uncertain significance (1 of 4 stars; one submission).

Allele frequency attached by ClinVar (database versions not stated): 1000 Genomes Project 0.00020; 1000 Genomes Project 30x 0.00031.

Submission:

Labcorp Genetics (formerly Invitae), Labcorp
Classification: Uncertain significance. Last evaluated: 2022-04-04. Review status: criteria provided, single submitter. Criteria: Invitae Variant Classification Sherloc (09022015). Collection method: clinical testing. Allele origin: germline.
Comment: This sequence change replaces glutamic acid, which is acidic and polar, with valine, which is neutral and non-polar, at codon 1838 of the MCM3AP protein (p.Glu1838Val). This variant is present in population databases (rs202103550, gnomAD 0.006%). This variant has not been reported in the literature in individuals affected with MCM3AP-related conditions. Algorithms developed to predict the effect of missense changes on protein structure and function (SIFT, PolyPhen-2, Align-GVGD) all suggest that this variant is likely to be tolerated. In summary, the available evidence is currently insufficient to determine the role of this variant in disease. Therefore, it has been classified as a Variant of Uncertain Significance.